The following is an entry in ClinVar:

ClinVar aggregate classification (germline): Uncertain significance (1 of 4 stars; one submission).

Conditions:
Anauxetic dysplasia. Identifiers: Orphanet 93347, MedGen C1846796, MONDO:0011773.

gnomAD v4.1: 3 of 700,474 alleles (0.00043%); highest among the groups gnomAD compares: Non-Finnish European, 0.00078%; no homozygotes.

Submission:

Labcorp Genetics (formerly Invitae), Labcorp
Classification: Uncertain significance for Anauxetic dysplasia. Last evaluated: 2023-12-04. Review status: criteria provided, single submitter. Criteria: Invitae Variant Classification Sherloc (09022015). Collection method: clinical testing. Allele origin: germline.
Comment: This variant occurs in the RMRP gene, which encodes an RNA molecule that does not result in a protein product. This variant is not present in population databases (gnomAD no frequency). This variant has been observed in individual(s) with clinical features of RMRP-related conditions (Invitae). In at least one individual the data is consistent with being in trans (on the opposite chromosome) from a pathogenic variant. ClinVar contains an entry for this variant (Variation ID: 1386371). Experimental studies and prediction algorithms are not available or were not evaluated, and the functional significance of this variant is currently unknown. In summary, the available evidence is currently insufficient to determine the role of this variant in disease. Therefore, it has been classified as a Variant of Uncertain Significance.

NC_000009.12:g.35657929G>T

Gene: RMRP (RNA component of mitochondrial RNA processing endoribonuclease; minus strand). Cytogenetic location: 9p13.3.
Variant type: single nucleotide variant.
Genome position: GRCh38 VCF-style: chr9-35657929-G-T. GRCh37 (hg19) VCF-style: chr9-35657926-G-T.
Identifiers: ClinVar variation 1386371 (VCV001386371.4), dbSNP rs1418128709, ClinGen allele CA464450824.